The following is an entry in ClinVar:

NM_022168.4(IFIH1):c.728A>G (p.Asn243Ser)

Gene: IFIH1 (interferon induced with helicase C domain 1; minus strand). Cytogenetic location: 2q24.2.
Variant type: single nucleotide variant.
Coding change: c.728A>G on transcript NM_022168.4 (MANE Select); coding-DNA position 728, A replaced by G.
Protein change: p.Asn243Ser; replaces asparagine 243 with serine.
Molecular consequence: missense variant.
Genome position (GRCh38, 1-based): chr2:162,306,750, T>C on the plus strand (A>G on the coding strand, the complement: IFIH1 is on the minus strand). VCF-style: chr2-162306750-T-C. GRCh37 (hg19) VCF-style: chr2-163163260-T-C.
Other names: short protein forms N243S.
Identifiers: ClinVar variation 1717164 (VCV001717164.5), dbSNP rs2468992045, ClinGen allele CA349008290.

ClinVar aggregate classification (germline): Uncertain significance (1 of 4 stars; one submission).

Conditions:
Singleton-Merten syndrome 1 (SGMRT1). Also called: Widened medullary cavities of bone, aortic calcification, abnormal dentition, and muscular weakness; Syndrome of widened medullary cavities of the metacarpals and phalanges, aortic calcification and abnormal dentition. Identifiers: Orphanet 85191, MedGen C4225427, MONDO:0024535, OMIM 182250.
Aicardi-Goutieres syndrome 7 (AGS7). Identifiers: Orphanet 51, MedGen C3888244, MONDO:0014367, OMIM 615846.

Submission:

Labcorp Genetics (formerly Invitae), Labcorp
Classification: Uncertain significance for Aicardi-Goutieres syndrome 7; Singleton-Merten syndrome 1. Last evaluated: 2022-08-20. Review status: criteria provided, single submitter. Criteria: Invitae Variant Classification Sherloc (09022015). Collection method: clinical testing. Allele origin: germline.
Comment: This variant has not been reported in the literature in individuals affected with IFIH1-related conditions. This variant is not present in population databases (gnomAD no frequency). This sequence change replaces asparagine, which is neutral and polar, with serine, which is neutral and polar, at codon 243 of the IFIH1 protein (p.Asn243Ser). In summary, the available evidence is currently insufficient to determine the role of this variant in disease. Therefore, it has been classified as a Variant of Uncertain Significance. Algorithms developed to predict the effect of missense changes on protein structure and function output the following: SIFT: "Tolerated"; PolyPhen-2: "Benign"; Align-GVGD: "Class C0". The serine amino acid residue is found in multiple mammalian species, which suggests that this missense change does not adversely affect protein function.